The following is an entry in ClinVar:

ClinVar aggregate classification (germline): Uncertain significance (1 of 4 stars; one submission).

Allele frequency attached by ClinVar (database versions not stated): gnomAD exomes below 0.00001.
gnomAD v4.1: 3 of 1,613,950 alleles (0.00019%); highest among the groups gnomAD compares: Admixed American, 0.0017%; no homozygotes.

Submission:

Labcorp Genetics (formerly Invitae), Labcorp
Classification: Uncertain significance. Last evaluated: 2022-02-18. Review status: criteria provided, single submitter. Criteria: Invitae Variant Classification Sherloc (09022015). Collection method: clinical testing. Allele origin: germline.
Comment: In summary, the available evidence is currently insufficient to determine the role of this variant in disease. Therefore, it has been classified as a Variant of Uncertain Significance. Algorithms developed to predict the effect of sequence changes on RNA splicing suggest that this variant may create or strengthen a splice site. Algorithms developed to predict the effect of missense changes on protein structure and function (SIFT, PolyPhen-2, Align-GVGD) all suggest that this variant is likely to be disruptive. This variant has not been reported in the literature in individuals affected with NBAS-related conditions. This variant is not present in population databases (gnomAD no frequency). This sequence change replaces cysteine, which is neutral and slightly polar, with arginine, which is basic and polar, at codon 2208 of the NBAS protein (p.Cys2208Arg).

NM_015909.4(NBAS):c.6622T>C (p.Cys2208Arg)

Gene: NBAS (NBAS subunit of NRZ tethering complex; minus strand). Cytogenetic location: 2p24.3.
Variant type: single nucleotide variant.
Coding change: c.6622T>C on transcript NM_015909.4 (MANE Select); coding-DNA position 6622, T replaced by C.
Protein change: p.Cys2208Arg; replaces cysteine 2208 with arginine.
Molecular consequence: missense variant. On other transcripts: non-coding transcript variant (1).
Genome position (GRCh38, 1-based): chr2:15,186,831, A>G on the plus strand (T>C on the coding strand, the complement: NBAS is on the minus strand). VCF-style: chr2-15186831-A-G. GRCh37 (hg19) VCF-style: chr2-15326955-A-G.
Other names: short protein forms C2208R.
Identifiers: ClinVar variation 2098630 (VCV002098630.4), dbSNP rs2528012971, ClinGen allele CA345919215.
Genomic context (GRCh38, chr2:15,186,831, plus strand): 5'-ACAAAGAGCGACACATTTTCAAAACTTCATTCCCCAATCCTTCCTTGTTCTCCATCGTAC[A>G]TCTGGTTAGCATCACTGTAGCTAGTCTCACCCATGGATTATTGGTTATGCTGGTGTTTAT-3'
Protein context (NP_056993.2, residues 2198-2218): VRLATVMLTR[Cys2208Arg]TMENKEGLGN